The following is an entry in ClinVar:

ClinVar aggregate classification (germline): Uncertain significance (1 of 4 stars; one submission).

Submission:

Center for Pediatric Genomic Medicine, Children's Mercy Hospital and Clinics
Classification: Uncertain significance. Last evaluated: 2015-10-09. Review status: criteria provided, single submitter. Criteria: ACMG Guidelines, 2015. Collection method: clinical testing. Allele origin: germline.
ClinVar note: Converted during submission from Uncertain Significance to Uncertain significance.

NC_012920.1(MT-ATP8):m.8565A>G

Genes: MT-ATP6 (mitochondrially encoded ATP synthase 6; plus strand), MT-ATP8 (mitochondrially encoded ATP synthase 8; plus strand).
Variant type: single nucleotide variant.
Genome position: chrM-8565-A-G.
Identifiers: ClinVar variation 235492 (VCV000235492.3), dbSNP rs878853052, ClinGen allele CA10581330.